The following is an entry in ClinVar:

NM_002769.5(PRSS1):c.178T>G (p.Ser60Ala)

Genes: PRSS1 (serine protease 1; plus strand), TRB (T cell receptor beta locus; plus strand). Cytogenetic location: 7q34.
Variant type: single nucleotide variant.
Coding change: c.178T>G on transcript NM_002769.5 (MANE Select); coding-DNA position 178, T replaced by G.
Protein change: p.Ser60Ala; replaces serine 60 with alanine.
Molecular consequence: missense variant. On other transcripts: non-coding transcript variant (4).
Genome position (GRCh38, 1-based): chr7:142,750,692, T>G. VCF-style: chr7-142750692-T-G. GRCh37 (hg19) VCF-style: chr7-142458543-T-G.
Other names: short protein forms S60A.
Identifiers: ClinVar variation 1780174 (VCV001780174.2), dbSNP rs2485733911, ClinGen allele CA369607522.

ClinVar aggregate classification (germline): Uncertain significance (1 of 4 stars; one submission).

Conditions:
Hereditary pancreatitis (PCTT). Also called: Hereditary chronic pancreatitis; PRSS1-Related Hereditary Pancreatitis. Identifiers: Orphanet 676, MedGen C0238339, MONDO:0008185, OMIM 167800.

Submission:

Ambry Genetics
Classification: Uncertain significance for Hereditary pancreatitis. Last evaluated: 2022-08-22. Review status: criteria provided, single submitter. Criteria: Ambry Variant Classification Scheme 2023. Collection method: clinical testing. Allele origin: germline.
Comment: The p.S60A variant (also known as c.178T>G), located in coding exon 2 of the PRSS1 gene, results from a T to G substitution at nucleotide position 178. The serine at codon 60 is replaced by alanine, an amino acid with similar properties. This amino acid position is conserved. In addition, this alteration is predicted to be deleterious by in silico analysis. Since supporting evidence is limited at this time, the clinical significance of this alteration remains unclear.